The following is an entry in ClinVar:

NM_001308093.3(GATA4):c.920G>A (p.Arg307Lys)

Gene: GATA4 (GATA binding protein 4). Cytogenetic location: 8p23.1.
Variant type: single nucleotide variant.
Coding change: c.920G>A on transcript NM_001308093.3 (MANE Select); coding-DNA position 920, G replaced by A.
Protein change: p.Arg307Lys; replaces arginine 307 with lysine.
Molecular consequence: missense variant.
Genome position (GRCh38, 1-based): chr8:11,755,053, G>A. VCF-style: chr8-11755053-G-A. GRCh37 (hg19) VCF-style: chr8-11612562-G-A.
Other names: c.299G>A, p.Arg100Lys (NM_001308094.2, NM_001374273.1); c.173G>A, p.Arg58Lys (NM_001374274.1); c.917G>A, p.Arg306Lys (NM_002052.5); short protein forms R306K, R100K, R307K, R58K.
Identifiers: ClinVar variation 472783 (VCV000472783.7), dbSNP rs1554498327, ClinGen allele CA370314338.

ClinVar aggregate classification (germline): Uncertain significance (1 of 4 stars; one submission).

Conditions:
Atrioventricular septal defect 4 (AVSD4). Identifiers: MedGen C3280781, MONDO:0013747, OMIM 614430.

Submission:

Labcorp Genetics (formerly Invitae), Labcorp
Classification: Uncertain significance for Atrioventricular septal defect 4. Last evaluated: 2017-08-17. Review status: criteria provided, single submitter. Criteria: Invitae Variant Classification Sherloc (09022015). Collection method: clinical testing. Allele origin: germline.
Comment: In summary, the available evidence is currently insufficient to determine the role of this variant in disease. Therefore, it has been classified as a Variant of Uncertain Significance. Algorithms developed to predict the effect of missense changes on protein structure and function do not agree on the potential impact of this missense change (SIFT: "Tolerated"; PolyPhen-2: "Probably Damaging"; Align-GVGD: "Class C0"). This variant has not been reported in the literature in individuals with GATA4-related disease. This variant is not present in population databases (ExAC no frequency). This sequence change replaces arginine with lysine at codon 306 of the GATA4 protein (p.Arg306Lys). The arginine residue is highly conserved and there is a small physicochemical difference between arginine and lysine.